The following is an entry in ClinVar:

ClinVar aggregate classification (germline): Pathogenic (1 of 4 stars; one submission).

Conditions:
Lysinuric protein intolerance (LPI). Identifiers: Orphanet 470, MedGen C0268647, MONDO:0009109, OMIM 222700.

Submission:

Labcorp Genetics (formerly Invitae), Labcorp
Classification: Pathogenic for Lysinuric protein intolerance. Last evaluated: 2022-08-23. Review status: criteria provided, single submitter. Criteria: Invitae Variant Classification Sherloc (09022015). Collection method: clinical testing. Allele origin: germline.
Comment: For these reasons, this variant has been classified as Pathogenic. This variant has not been reported in the literature in individuals affected with SLC7A7-related conditions. This variant is not present in population databases (gnomAD no frequency). This sequence change creates a premature translational stop signal (p.Cys167*) in the SLC7A7 gene. It is expected to result in an absent or disrupted protein product. Loss-of-function variants in SLC7A7 are known to be pathogenic (PMID: 10631139, 17764084).

Literature cited by the submitters: PubMed 10631139; PubMed 17764084.

NM_003982.4(SLC7A7):c.501T>A (p.Cys167Ter)

Gene: SLC7A7 (solute carrier family 7 member 7; minus strand). Cytogenetic location: 14q11.2.
Variant type: single nucleotide variant.
Coding change: c.501T>A on transcript NM_003982.4 (MANE Select); coding-DNA position 501, T replaced by A.
Protein change: p.Cys167Ter; replaces cysteine 167 with a stop codon.
Molecular consequence: nonsense.
Genome position (GRCh38, 1-based): chr14:22,780,050, A>T on the plus strand (T>A on the coding strand, the complement: SLC7A7 is on the minus strand). VCF-style: chr14-22780050-A-T. GRCh37 (hg19) VCF-style: chr14-23249259-A-T.
Other names: c.501T>A, p.Cys167Ter (NM_001126105.3, NM_001126106.4); short protein forms C167*.
Identifiers: ClinVar variation 2025262 (VCV002025262.4), dbSNP rs2501864551, ClinGen allele CA388924454.
Genomic context (GRCh38, chr14:22,780,050, plus strand): 5'-GAAAATATCTTGTACCAGGGTTCCCCATTTGACATAGGCACAGTTAATGAAGGTTAAGAG[A>T]CCTGAAAGAAAAATAATACTGATTGGTGACTTACCCTTACCACCCTAGGGCCTTAGACTC-3'